The following is an entry in ClinVar:

NM_004656.4(BAP1):c.1095T>C (p.Asn365=)

Gene: BAP1 (BRCA1 associated deubiquitinase 1; minus strand). Cytogenetic location: 3p21.1.
Variant type: single nucleotide variant.
Coding change: c.1095T>C on transcript NM_004656.4 (MANE Select); coding-DNA position 1095, T replaced by C.
Protein change: p.Asn365=; no amino-acid change (asparagine 365 retained).
Molecular consequence: synonymous variant.
Genome position (GRCh38, 1-based): chr3:52,405,131, A>G on the plus strand (T>C on the coding strand, the complement: BAP1 is on the minus strand). VCF-style: chr3-52405131-A-G. GRCh37 (hg19) VCF-style: chr3-52439147-A-G.
Other names: c.1041T>C, p.Asn347= (NM_001410772.1).
Identifiers: ClinVar variation 1790548 (VCV001790548.3), dbSNP rs2153227000, ClinGen allele CA433774674.

ClinVar aggregate classification (germline): Benign/Likely benign. Review status: criteria provided, multiple submitters, no conflicts (2 of 4 stars). 2 submissions from 2 submitters: Benign (1); Likely benign (1). Last evaluated 2024-07-15.

Conditions:
Hereditary cancer-predisposing syndrome. Also called: Hereditary Cancer Syndrome; Hereditary neoplastic syndrome; Tumor predisposition; Neoplastic Syndromes, Hereditary. Identifiers: Orphanet 140162, MedGen C0027672, MeSH D009386, MONDO:0015356.
BAP1-related tumor predisposition syndrome (TPDS1). Also called: COMMON Syndrome; Tumor susceptibility linked to germline BAP1 mutations; TUMOR PREDISPOSITION SYNDROME 1; BAP1 tumor predisposition syndrome. Identifiers: Orphanet 289539, MedGen C3280492, MONDO:0013692, OMIM 614327.

Allele frequency attached by ClinVar (database versions not stated): gnomAD exomes below 0.00001.
gnomAD v4.1: 1 of 1,614,126 alleles (0.000062%); highest among the groups gnomAD compares: Non-Finnish European, 0.000085%; no homozygotes.

Submissions (2):

Myriad Genetics, Inc.
Classification: Benign for BAP1-related tumor predisposition syndrome. Last evaluated: 2024-07-15. Review status: criteria provided, single submitter. Criteria: Myriad Autosomal Dominant, Autosomal Recessive and X-Linked Classification Criteria (2023). Collection method: clinical testing. Allele origin: unknown.
Comment: This variant is considered benign. This variant is a silent/synonymous amino acid change and it is not expected to impact splicing.

Ambry Genetics
Classification: Likely benign for Hereditary cancer-predisposing syndrome. Last evaluated: 2021-10-09. Review status: criteria provided, single submitter. Criteria: Ambry Variant Classification Scheme 2023. Collection method: clinical testing. Allele origin: germline.